The following is an entry in ClinVar:

ClinVar aggregate classification (germline): Uncertain significance (1 of 4 stars; one submission).

Submission:

Ambry Genetics
Classification: Uncertain significance. Last evaluated: 2026-08-09. Review status: criteria provided, single submitter. Criteria: Ambry Variant Classification Scheme 2023. Collection method: clinical testing. Allele origin: germline.
Comment: The p.P891L variant (also known as c.2672C>T), located in coding exon 11 of the WNK2 gene, results from a C to T substitution at nucleotide position 2672. The proline at codon 891 is replaced by leucine, an amino acid with similar properties. This amino acid position is conserved. In addition, the in silico prediction for this alteration is inconclusive. Based on the available evidence, the clinical significance of this variant remains unclear.

NM_006648.4(WNK2):c.2672C>T (p.Pro891Leu)

Gene: WNK2 (WNK lysine deficient protein kinase 2; plus strand). Cytogenetic location: 9q22.31.
Variant type: single nucleotide variant.
Coding change: c.2672C>T on transcript NM_006648.4 (MANE Select); coding-DNA position 2672, C replaced by T.
Protein change: p.Pro891Leu; replaces proline 891 with leucine.
Molecular consequence: missense variant.
Genome position (GRCh38, 1-based): chr9:93,259,220, C>T. VCF-style: chr9-93259220-C-T. GRCh37 (hg19) VCF-style: chr9-96021502-C-T.
Other names: c.2672C>T, p.Pro891Leu (NM_001282394.3); short protein forms P891L.
Identifiers: ClinVar variation 5031917 (VCV005031917.1).
Genomic context (GRCh38, chr9:93,259,220, plus strand): 5'-TGCCCTGCCGGACCATTGTGCCAAATGCACCGGCCACTATCCCCCTGCTGGCCGTAGCCC[C>T]ACCGGGCGTGGCTGCCCTGTCCATTCATTCTGCCGTGGCCCAGCTCCCAGGCCAACCTGT-3'
Protein context (NP_006639.3, residues 881-901): PATIPLLAVA[Pro891Leu]PGVAALSIHS